The following is an entry in ClinVar:

ClinVar aggregate classification (germline): Uncertain significance (1 of 4 stars; one submission).

Conditions:
Long QT syndrome (LQTS). Identifiers: MedGen C0023976, MeSH D008133, MONDO:0002442. Disease mechanism: loss of function. Inheritance: Various modes of inheritance.

Submission:

Labcorp Genetics (formerly Invitae), Labcorp
Classification: Uncertain significance for Long QT syndrome. Last evaluated: 2019-07-26. Review status: criteria provided, single submitter. Criteria: Invitae Variant Classification Sherloc (09022015). Collection method: clinical testing. Allele origin: germline.
Comment: This sequence change replaces histidine with glutamine at codon 3185 of the AKAP9 protein (p.His3185Gln). The histidine residue is moderately conserved and there is a small physicochemical difference between histidine and glutamine. This variant is not present in population databases (ExAC no frequency). This variant has not been reported in the literature in individuals with AKAP9-related conditions. Algorithms developed to predict the effect of missense changes on protein structure and function are either unavailable or do not agree on the potential impact of this missense change (SIFT: "Tolerated"; PolyPhen-2: "Possibly Damaging"; Align-GVGD: "Class C0"). In summary, the available evidence is currently insufficient to determine the role of this variant in disease. Therefore, it has been classified as a Variant of Uncertain Significance.

NM_005751.5(AKAP9):c.9555C>A (p.His3185Gln)

Gene: AKAP9 (A-kinase anchoring protein 9; plus strand). Cytogenetic location: 7q21.2.
Variant type: single nucleotide variant.
Coding change: c.9555C>A on transcript NM_005751.5 (MANE Select); coding-DNA position 9555, C replaced by A.
Protein change: p.His3185Gln; replaces histidine 3185 with glutamine.
Molecular consequence: missense variant.
Genome position (GRCh38, 1-based): chr7:92,093,293, C>A. VCF-style: chr7-92093293-C-A. GRCh37 (hg19) VCF-style: chr7-91722607-C-A.
Other names: c.4200C>A, p.His1400Gln (NM_001379277.1); c.9531C>A, p.His3177Gln (NM_147185.3); short protein forms H3185Q, H1400Q, H3177Q.
Identifiers: ClinVar variation 962604 (VCV000962604.9), dbSNP rs1815955125, ClinGen allele CA368148653.